The following is an entry in ClinVar:

ClinVar aggregate classification (germline): Likely pathogenic (1 of 4 stars; one submission).

Conditions:
Curry-Hall syndrome (WAD). Also called: WEYERS ACRODENTAL DYSOSTOSIS. Identifiers: Orphanet 952, MedGen C0457013, MONDO:0008673, OMIM 193530.
Ellis-van Creveld syndrome (EVC). Also called: EVC-Related Ellis-van Creveld Syndrome; EVC2-Related Ellis-van Creveld Syndrome; MESOECTODERMAL DYSPLASIA; Chondroectodermal dysplasia. Identifiers: Orphanet 289, MedGen C0013903, MONDO:0009162, OMIM 225500.

Submission:

Labcorp Genetics (formerly Invitae), Labcorp
Classification: Likely pathogenic for Curry-Hall syndrome; Ellis-van Creveld syndrome. Last evaluated: 2020-10-07. Review status: criteria provided, single submitter. Criteria: Invitae Variant Classification Sherloc (09022015). Collection method: clinical testing. Allele origin: germline.
Comment: This sequence change affects a donor splice site in intron 11 of the EVC2 gene. It is expected to disrupt RNA splicing and likely results in an absent or disrupted protein product. This variant is not present in population databases (ExAC no frequency). This variant has not been reported in the literature in individuals with EVC2-related conditions. Algorithms developed to predict the effect of sequence changes on RNA splicing suggest that this variant may disrupt the consensus splice site, but this prediction has not been confirmed by published transcriptional studies. Donor and acceptor splice site variants typically lead to a loss of protein function (PMID: 16199547), and loss-of-function variants in EVC2 are known to be pathogenic (PMID: 17024374, 19810119, 19876929). In summary, the currently available evidence indicates that the variant is pathogenic, but additional data are needed to prove that conclusively. Therefore, this variant has been classified as Likely Pathogenic.

Literature cited by the submitters: PubMed 16199547; PubMed 17024374; PubMed 19810119; PubMed 19876929.

NM_147127.5(EVC2):c.1710+2T>C

Gene: EVC2 (EvC ciliary complex subunit 2; minus strand). Cytogenetic location: 4p16.2.
Variant type: single nucleotide variant.
Coding change: c.1710+2T>C on transcript NM_147127.5 (MANE Select); the canonical splice donor site of the intron after coding-DNA position 1710, T replaced by C.
Molecular consequence: splice donor variant.
Genome position (GRCh38, 1-based): chr4:5,631,791, A>G on the plus strand (T>C on the coding strand, the complement: EVC2 is on the minus strand). VCF-style: chr4-5631791-A-G. GRCh37 (hg19) VCF-style: chr4-5633518-A-G.
Other names: c.1470+2T>C (NM_001166136.2).
Identifiers: ClinVar variation 1068081 (VCV001068081.8), dbSNP rs2108851273, ClinGen allele CA356148424.